The following is an entry in ClinVar:

ClinVar aggregate classification (germline): Pathogenic/Likely pathogenic. Review status: criteria provided, multiple submitters, no conflicts (2 of 4 stars). 2 submissions from 2 submitters: Pathogenic (1); Likely pathogenic (1). Last evaluated 2024-06-07.

Conditions:
Mucopolysaccharidosis, MPS-II (MPS2). Also called: Mucopolysaccharidosis type 2; Mucopolysaccharidosis Type II; Attenuated MPS (subtype; formerly known as mild MPS II); Severe MPS II; I2S deficiency; MPS 2. Identifiers: Orphanet 580, Orphanet 79388, MedGen C0026705, MONDO:0010674, OMIM 309900.

Submissions (2):

Laboratory of Diagnosis and Therapy of Lysosomal Disorders, University of Padova
Classification: Pathogenic for Mucopolysaccharidosis, MPS-II. Last evaluated: 2024-06-07. Review status: criteria provided, single submitter. Criteria: ACMG Guidelines, 2015. Collection method: literature only. Allele origin: germline. Affected: yes. Observed: 1 variant allele.
Comment: Absent from controls (or at low frequency) in gnomAD database (PM2_Moderate), Missense change at the same amino acid residue as a pathogenic variant (PM5_Moderate), Missense variant in a gene with a low rate of benign missense variation (PP2_Supporting), Multiple lines of computational evidence support a deleterious effect (PP3_Supporting), Patient’s phenotype or family history highly specific for the disease (PP4_Strong)

Classification method: ACMG Guidelines [PMID:25741868] with modifications

Mendelics
Classification: Likely pathogenic for Mucopolysaccharidosis, MPS-II. Last evaluated: 2019-05-28. Review status: criteria provided, single submitter. Criteria: Mendelics Assertion Criteria 2017. Collection method: clinical testing. Allele origin: unknown.

Literature cited by the submitters: PubMed 36945845 (cited by Laboratory of Diagnosis and Therapy of Lysosomal Disorders, University of Padova).

NM_000202.8(IDS):c.442G>T (p.Asp148Tyr)

Genes: IDS (iduronate 2-sulfatase; minus strand), LOC106050102 (IDS recombination region; plus strand). Cytogenetic location: Xq28.
Variant type: single nucleotide variant.
Coding change: c.442G>T on transcript NM_000202.8 (MANE Select); coding-DNA position 442, G replaced by T.
Protein change: p.Asp148Tyr; replaces aspartic acid 148 with tyrosine.
Molecular consequence: missense variant. On other transcripts: non-coding transcript variant (1).
Genome position (GRCh38, 1-based): chrX:149,501,014, C>A on the plus strand (G>T on the coding strand, the complement: IDS is on the minus strand). VCF-style: chrX-149501014-C-A. GRCh37 (hg19) VCF-style: chrX-148582545-C-A.
Other names: c.172G>T, p.Asp58Tyr (NM_001166550.4); c.442G>T, p.Asp148Tyr (NM_006123.5); short protein forms D148Y, D58Y.
Identifiers: ClinVar variation 804094 (VCV000804094.3), dbSNP rs1602745838, ClinGen allele CA414523216.